The following is an entry in ClinVar:

ClinVar aggregate classification (germline): Uncertain significance (1 of 4 stars; one submission).

Conditions:
Arrhythmogenic right ventricular dysplasia 9 (ARVD9). Also called: ARRHYTHMOGENIC RIGHT VENTRICULAR DYSPLASIA, FAMILIAL, 9; Arrhythmogenic Right Ventricular Dysplasia/Cardiomyopathy 9. Identifiers: MedGen C1836906, MONDO:0012180, OMIM 609040.

gnomAD v4.1: 1 of 1,614,132 alleles (0.000062%); highest among the groups gnomAD compares: South Asian, 0.0011%; no homozygotes.

Submission:

Labcorp Genetics (formerly Invitae), Labcorp
Classification: Uncertain significance for Arrhythmogenic right ventricular dysplasia 9. Last evaluated: 2021-01-30. Review status: criteria provided, single submitter. Criteria: Invitae Variant Classification Sherloc (09022015). Collection method: clinical testing. Allele origin: germline.
Comment: This sequence change replaces valine with phenylalanine at codon 411 of the PKP2 protein (p.Val411Phe). The valine residue is moderately conserved and there is a small physicochemical difference between valine and phenylalanine. In summary, the available evidence is currently insufficient to determine the role of this variant in disease. Therefore, it has been classified as a Variant of Uncertain Significance. Algorithms developed to predict the effect of missense changes on protein structure and function are either unavailable or do not agree on the potential impact of this missense change (SIFT: "Deleterious"; PolyPhen-2: "Probably Damaging"; Align-GVGD: "Class C0"). This variant has not been reported in the literature in individuals with PKP2-related conditions. This variant is not present in population databases (ExAC no frequency).

NM_001005242.3(PKP2):c.1231G>T (p.Val411Phe)

Gene: PKP2 (plakophilin 2; minus strand). Cytogenetic location: 12p11.21.
Variant type: single nucleotide variant.
Coding change: c.1231G>T on transcript NM_001005242.3 (MANE Select); coding-DNA position 1231, G replaced by T.
Protein change: p.Val411Phe; replaces valine 411 with phenylalanine.
Molecular consequence: missense variant.
Genome position (GRCh38, 1-based): chr12:32,850,913, C>A on the plus strand (G>T on the coding strand, the complement: PKP2 is on the minus strand). VCF-style: chr12-32850913-C-A. GRCh37 (hg19) VCF-style: chr12-33003847-C-A.
Other names: c.1231G>T, p.Val411Phe (NM_004572.4); short protein forms V411F.
Identifiers: ClinVar variation 1496151 (VCV001496151.8), dbSNP rs192041220, ClinGen allele CA384370656.